The following is an entry in ClinVar:

ClinVar aggregate classification (germline): Pathogenic. Review status: criteria provided, single submitter (1 of 4 stars). 2 submissions from 2 submitters: Pathogenic (1). 1 of the submissions does not count toward it. Last evaluated 2015-06-17.

Conditions:
Cardiomyopathy (CMYO). Also called: Cardiomyopathies. Identifiers: Orphanet 167848, MedGen C0878544, MONDO:0004994, HP:0001638. Inheritance: Various modes of inheritance.
Left ventricular noncompaction. Identifiers: Orphanet 54260, MedGen C1960469, MONDO:0018901, HP:0030682.
Floppy infant. Also called: Infantile muscular hypotonia. Identifiers: MedGen C1860834, HP:0008947.
Lethal left ventricular non-compaction-seizures-hypotonia-cataract-developmental delay syndrome. Also called: Combined oxidative phosphorylation deficiency 31. Identifiers: Orphanet 478049, MedGen C4310661, MONDO:0014976, OMIM 617228.

gnomAD v4.1: 1 of 1,613,938 alleles (0.000062%); highest among the groups gnomAD compares: Non-Finnish European, 0.000085%; no homozygotes.

Submissions (2):

Baylor Genetics
Classification: Pathogenic for Cardiomyopathy; Left ventricular noncompaction; Infantile muscular hypotonia. Last evaluated: 2015-06-17. Review status: criteria provided, single submitter. Criteria: Eldomery et al. (Genome Med. 2016). Collection method: clinical testing. Allele origin: paternal. Inheritance: Autosomal recessive inheritance. Affected: yes. Observed: 1 variant allele, 1 compound heterozygote. Study: MIPEP.

OMIM
Classification: Pathogenic for COMBINED OXIDATIVE PHOSPHORYLATION DEFICIENCY 31. Last evaluated: 2016-12-01. Review status: no assertion criteria provided. Collection method: literature only. Allele origin: germline. Not counted in ClinVar's aggregate classification.

Literature cited by the submitters: PubMed 27799064 (cited by OMIM).

NM_005932.4(MIPEP):c.1804G>T (p.Glu602Ter)

Gene: MIPEP (mitochondrial intermediate peptidase; minus strand). Cytogenetic location: 13q12.12.
Variant type: single nucleotide variant.
Coding change: c.1804G>T on transcript NM_005932.4 (MANE Select); coding-DNA position 1804, G replaced by T.
Protein change: p.Glu602Ter; replaces glutamic acid 602 with a stop codon.
Molecular consequence: nonsense.
Genome position (GRCh38, 1-based): chr13:23,805,994, C>A on the plus strand (G>T on the coding strand, the complement: MIPEP is on the minus strand). VCF-style: chr13-23805994-C-A. GRCh37 (hg19) VCF-style: chr13-24380133-C-A.
Other names: short protein forms E602*.
Identifiers: ClinVar variation 208631 (VCV000208631.2), dbSNP rs114638163, ClinGen allele CA16040610.
Genomic context (GRCh38, chr13:23,805,994, plus strand): 5'-CAAATGCTGGACTCACAGTATTTGGAACATATGGTAGGCCATAGAATTTCTCTTGTGTTT[C>A]CTTGAGAATGTCTGTGGTTGAATTCCTCAGGGGATGCTTCCCATGGTAGATTTGATCCAG-3'